The following is an entry in ClinVar:

ClinVar aggregate classification (germline): Likely benign. Review status: criteria provided, multiple submitters, no conflicts (2 of 4 stars). 2 submissions from 2 submitters: Likely benign (2). Last evaluated 2026-03-01.

Conditions:
FG syndrome (FGS). Identifiers: MedGen C0220769, MONDO:0002010.

Submissions (2):

CeGaT Center for Human Genetics Tuebingen
Classification: Likely benign. Last evaluated: 2026-03-01. Review status: criteria provided, single submitter. Criteria: CeGaT Center For Human Genetics Tuebingen Variant Classification Criteria Version 2. Collection method: clinical testing. Allele origin: germline. Affected: yes. Observed: 1 variant allele.
Comment: MED12: PM2:Supporting, BP4, BP7

Labcorp Genetics (formerly Invitae), Labcorp
Classification: Likely benign for FG syndrome. Last evaluated: 2024-04-17. Review status: criteria provided, single submitter. Criteria: Invitae Variant Classification Sherloc (09022015). Collection method: clinical testing. Allele origin: germline.

NM_005120.3(MED12):c.111G>T (p.Thr37=)

Gene: MED12 (mediator complex subunit 12; plus strand). Cytogenetic location: Xq13.1.
Variant type: single nucleotide variant.
Coding change: c.111G>T on transcript NM_005120.3 (MANE Select); coding-DNA position 111, G replaced by T.
Protein change: p.Thr37=; no amino-acid change (threonine 37 retained).
Molecular consequence: synonymous variant.
Genome position (GRCh38, 1-based): chrX:71,119,384, G>T. VCF-style: chrX-71119384-G-T. GRCh37 (hg19) VCF-style: chrX-70339234-G-T.
Identifiers: ClinVar variation 3649697 (VCV003649697.6).
Genomic context (GRCh38, chrX:71,119,384, plus strand): 5'-CCCCCTTCCCCTAAGGAAAAAACAACTAAACGCCGCTTTCCTGCCTCAGGATGAACTGAC[G>T]GCCTTGAATGTAAAACAAGGTTTCAATAACCAGCCTGCTGTCTCTGGGGATGAGCATGGC-3'
Protein context (NP_005111.2, residues 27-47): QDPKQKEDEL[Thr37=]ALNVKQGFNN